The following is an entry in ClinVar:

NC_000001.10:g.(?_183538257)_(183543776_?)del

Gene: NCF2 (neutrophil cytosolic factor 2; minus strand). Cytogenetic location: 1q25.3.
Variant type: Deletion.
Identifiers: ClinVar variation 3247768 (VCV003247768.1).

ClinVar aggregate classification (germline): Pathogenic (1 of 4 stars; one submission).

Conditions:
Granulomatous disease, chronic, autosomal recessive, cytochrome b-positive, type 2. Also called: CGD, AUTOSOMAL RECESSIVE CYTOCHROME b-POSITIVE, TYPE II; Chronic Granulomatous Disease, Autosomal Recessive, Cytochrome b-Positive, Type II; GRANULOMATOUS DISEASE, CHRONIC, DUE TO NCF2 DEFICIENCY; GRANULOMATOUS DISEASE, CHRONIC, AUTOSOMAL RECESSIVE, 2; Chronic granulomatous disease due to deficiency of NCF-2. Identifiers: Orphanet 379, MedGen C1856245, MONDO:0009310, OMIM 233710.

Submission:

Labcorp Genetics (formerly Invitae), Labcorp
Classification: Pathogenic for Granulomatous disease, chronic, autosomal recessive, cytochrome b-positive, type 2. Last evaluated: 2023-04-12. Review status: criteria provided, single submitter. Criteria: Invitae Variant Classification Sherloc (09022015). Collection method: clinical testing. Allele origin: unknown.
Comment: This variant is a gross deletion of the genomic region encompassing exon(s) 4-7 of the NCF2 gene. This deletion is out-of-frame, and is expected to create a premature termination codon and result in an absent or disrupted protein product. Loss-of-function variants in NCF2 are known to be pathogenic (PMID: 10498624, 20167518). For these reasons, this variant has been classified as Pathogenic. This variant has not been reported in the literature in individuals affected with NCF2-related conditions.

Literature cited by the submitters: PubMed 10498624; PubMed 20167518.